The following is an entry in ClinVar:

ClinVar aggregate classification (germline): Uncertain significance (1 of 4 stars; one submission).

Submission:

Labcorp Genetics (formerly Invitae), Labcorp
Classification: Uncertain significance. Last evaluated: 2025-03-19. Review status: criteria provided, single submitter. Criteria: Invitae Variant Classification Sherloc (09022015). Collection method: clinical testing. Allele origin: germline.
Comment: This sequence change replaces arginine, which is basic and polar, with serine, which is neutral and polar, at codon 300 of the CTNNA1 protein (p.Arg300Ser). This variant is not present in population databases (gnomAD no frequency). This variant has not been reported in the literature in individuals affected with CTNNA1-related conditions. Invitae Evidence Modeling of protein sequence and biophysical properties (such as structural, functional, and spatial information, amino acid conservation, physicochemical variation, residue mobility, and thermodynamic stability) indicates that this missense variant is not expected to disrupt CTNNA1 protein function with a negative predictive value of 80%. In summary, the available evidence is currently insufficient to determine the role of this variant in disease. Therefore, it has been classified as a Variant of Uncertain Significance.

NM_001903.5(CTNNA1):c.898C>A (p.Arg300Ser)

Gene: CTNNA1 (catenin alpha 1; plus strand). Cytogenetic location: 5q31.2.
Variant type: single nucleotide variant.
Coding change: c.898C>A on transcript NM_001903.5 (MANE Select); coding-DNA position 898, C replaced by A.
Protein change: p.Arg300Ser; replaces arginine 300 with serine.
Molecular consequence: missense variant.
Genome position (GRCh38, 1-based): chr5:138,827,554, C>A. VCF-style: chr5-138827554-C-A. GRCh37 (hg19) VCF-style: chr5-138163243-C-A.
Other names: c.898C>A, p.Arg300Ser (NM_001290307.3, NM_001323982.2, NM_001323983.1 and 3 more transcripts); c.589C>A, p.Arg197Ser (NM_001290309.3); c.529C>A, p.Arg177Ser (NM_001290310.3); short protein forms R197S, R300S, R177S.
Identifiers: ClinVar variation 4745114 (VCV004745114.1).
Genomic context (GRCh38, chr5:138,827,554, plus strand): 5'-TCGGTAATACTTTCTCTGCAGAAACAAATCATTGTGGACCCCTTGAGCTTCAGCGAGGAG[C>A]GCTTTAGGCCTTCCCTGGAGGAGCGTCTGGAAAGCATCATTAGTGGGGCTGCCTTGATGG-3'
Protein context (NP_001894.2, residues 290-310): IVDPLSFSEE[Arg300Ser]FRPSLEERLE